The following is an entry in ClinVar:

ClinVar aggregate classification (germline): Uncertain significance (1 of 4 stars; one submission).

Conditions:
Amyotrophic lateral sclerosis type 4 (ALS4). Also called: NEURONOPATHY, DISTAL HEREDITARY MOTOR, WITH PYRAMIDAL FEATURES; AMYOTROPHIC LATERAL SCLEROSIS 4, JUVENILE. Identifiers: Orphanet 357043, MedGen C1865409, MONDO:0011223, OMIM 602433.
Spinocerebellar ataxia, autosomal recessive, with axonal neuropathy 2 (SCAN2). Also called: Ataxia-ocular apraxia-2; Ataxia with Oculomotor Apraxia Type 2; Ataxia with Oculomotor Apraxia; ATAXIA-OCULOMOTOR APRAXIA 2. Identifiers: Orphanet 64753, MedGen C1853761, MONDO:0018996, OMIM 606002.

Submission:

Labcorp Genetics (formerly Invitae), Labcorp
Classification: Uncertain significance for Amyotrophic lateral sclerosis type 4; Spinocerebellar ataxia, autosomal recessive, with axonal neuropathy 2. Last evaluated: 2023-12-12. Review status: criteria provided, single submitter. Criteria: Invitae Variant Classification Sherloc (09022015). Collection method: clinical testing. Allele origin: germline.
Comment: This sequence change replaces proline, which is neutral and non-polar, with arginine, which is basic and polar, at codon 2571 of the SETX protein (p.Pro2571Arg). This variant is not present in population databases (gnomAD no frequency). This variant has not been reported in the literature in individuals affected with SETX-related conditions. Advanced modeling of protein sequence and biophysical properties (such as structural, functional, and spatial information, amino acid conservation, physicochemical variation, residue mobility, and thermodynamic stability) performed at Invitae indicates that this missense variant is not expected to disrupt SETX protein function with a negative predictive value of 95%. In summary, the available evidence is currently insufficient to determine the role of this variant in disease. Therefore, it has been classified as a Variant of Uncertain Significance.

NM_015046.7(SETX):c.7712C>G (p.Pro2571Arg)

Gene: SETX (senataxin; minus strand). Cytogenetic location: 9q34.13.
Variant type: single nucleotide variant.
Coding change: c.7712C>G on transcript NM_015046.7 (MANE Select); coding-DNA position 7712, C replaced by G.
Protein change: p.Pro2571Arg; replaces proline 2571 with arginine.
Molecular consequence: missense variant.
Genome position (GRCh38, 1-based): chr9:132,264,561, G>C on the plus strand (C>G on the coding strand, the complement: SETX is on the minus strand). VCF-style: chr9-132264561-G-C. GRCh37 (hg19) VCF-style: chr9-135139948-G-C.
Other names: c.7712C>G, p.Pro2571Arg (NM_001351527.2); c.7799C>G, p.Pro2600Arg (NM_001351528.2); short protein forms P2600R, P2571R.
Identifiers: ClinVar variation 2954272 (VCV002954272.3), dbSNP rs1053406110, ClinGen allele CA375323479.